The following is an entry in ClinVar:

NM_004004.6(GJB2):c.560A>G (p.Glu187Gly)

Gene: GJB2 (gap junction protein beta 2; minus strand). Cytogenetic location: 13q12.11.
Variant type: single nucleotide variant.
Coding change: c.560A>G on transcript NM_004004.6 (MANE Select); coding-DNA position 560, A replaced by G.
Protein change: p.Glu187Gly; replaces glutamic acid 187 with glycine.
Molecular consequence: missense variant.
Genome position (GRCh38, 1-based): chr13:20,189,022, T>C on the plus strand (A>G on the coding strand, the complement: GJB2 is on the minus strand). VCF-style: chr13-20189022-T-C. GRCh37 (hg19) VCF-style: chr13-20763161-T-C.
Other names: short protein forms E187G.
Identifiers: ClinVar variation 560670 (VCV000560670.10), dbSNP rs1451982228, ClinGen allele CA387460901.

ClinVar aggregate classification (germline): Conflicting classifications of pathogenicity. Review status: criteria provided, conflicting classifications (1 of 4 stars). 6 submissions from 6 submitters: Likely pathogenic (3); Uncertain significance (2). 1 of the submissions does not count toward it. Last evaluated 2025-09-19.

Conditions:
GJB2-related disorder. Also called: GJB2-related condition; GJB2-related disorders. Identifiers: MedGen CN382183, MONDO:1060236.
Hearing loss. Identifiers: MedGen C3887873.

Allele frequency attached by ClinVar (database versions not stated): TOPMed below 0.00001.

Submissions (6):

GeneDx
Classification: Likely pathogenic. Last evaluated: 2025-09-19. Review status: criteria provided, single submitter. Criteria: GeneDx Variant Classification Process June 2021. Collection method: clinical testing. Allele origin: germline. Affected: yes.
Comment: Not observed at significant frequency in large population cohorts (gnomAD); In silico analysis supports that this missense variant has a deleterious effect on protein structure/function; Has not been previously published as pathogenic or benign to our knowledge

Women's Health and Genetics/Laboratory Corporation of America, LabCorp
Classification: Uncertain significance. Last evaluated: 2025-07-25. Review status: criteria provided, single submitter. Criteria: LabCorp Variant Classification Summary - May 2015. Collection method: clinical testing. Allele origin: germline.
Comment: Variant summary: GJB2 c.560A>G (p.Glu187Gly) results in a non-conservative amino acid change in the encoded protein sequence. Algorithms developed to predict the effect of missense changes on protein structure and function all suggest that this variant is likely to be disruptive. The variant was absent in 251354 control chromosomes. The available data on variant occurrences in the general population are insufficient to allow any conclusion about variant significance. These data do not allow any conclusion about variant significance. To our knowledge, no experimental evidence demonstrating an impact on protein function has been reported. ClinVar contains an entry for this variant (Variation ID: 560670). Based on the evidence outlined above, the variant was classified as uncertain significance.

Labcorp Genetics (formerly Invitae), Labcorp
Classification: Likely pathogenic. Last evaluated: 2025-01-18. Review status: criteria provided, single submitter. Criteria: Invitae Variant Classification Sherloc (09022015). Collection method: clinical testing. Allele origin: germline.
Comment: This sequence change replaces glutamic acid, which is acidic and polar, with glycine, which is neutral and non-polar, at codon 187 of the GJB2 protein (p.Glu187Gly). This variant is not present in population databases (gnomAD no frequency). This missense change has been observed in individual(s) with clinical features of autosomal recessive GJB2-related conditions (internal data). In at least one individual the data is consistent with being in trans (on the opposite chromosome) from a pathogenic variant. ClinVar contains an entry for this variant (Variation ID: 560670). Invitae Evidence Modeling of protein sequence and biophysical properties (such as structural, functional, and spatial information, amino acid conservation, physicochemical variation, residue mobility, and thermodynamic stability) indicates that this missense variant is expected to disrupt GJB2 protein function with a positive predictive value of 95%. In summary, the currently available evidence indicates that the variant is pathogenic, but additional data are needed to prove that conclusively. Therefore, this variant has been classified as Likely Pathogenic.

PreventionGenetics, part of Exact Sciences
Classification: Uncertain significance for GJB2-related condition. Last evaluated: 2024-12-02. Review status: criteria provided, single submitter. Criteria: ACMG Guidelines, 2015. Collection method: clinical testing. Allele origin: germline.
Comment: The GJB2 c.560A>G variant is predicted to result in the amino acid substitution p.Glu187Gly. To our knowledge, this variant has not been reported in the literature or in a large population database (gnomAD), indicating this variant is rare. At this time, the clinical significance of this variant is uncertain due to the absence of conclusive functional and genetic evidence.

Blueprint Genetics
Classification: Likely pathogenic for GJB2-related disorders. Last evaluated: 2024-03-23. Review status: criteria provided, single submitter. Criteria: ACMG Guidelines, 2015. Collection method: clinical testing. Allele origin: germline. Affected: yes. Observed: 2 variant alleles.

Clinical Molecular Genetics Laboratory, Johns Hopkins All Children's Hospital
Classification: Uncertain significance for Hearing loss. Last evaluated: 2012-01-04. Review status: no assertion criteria provided. Collection method: clinical testing. Allele origin: germline. Affected: yes. Not counted in ClinVar's aggregate classification.